The following is an entry in ClinVar:

ClinVar aggregate classification (germline): Uncertain significance. Review status: criteria provided, multiple submitters, no conflicts (2 of 4 stars). 3 submissions from 3 submitters: Uncertain significance (3). Last evaluated 2023-01-05.

Conditions:
Cardiovascular phenotype. Identifiers: MedGen CN230736.
Dilated cardiomyopathy 1JJ (CMD1JJ). Identifiers: Orphanet 154, MedGen C3808935, MONDO:0014095, OMIM 615235.

Allele frequency attached by ClinVar (database versions not stated): gnomAD exomes below 0.00001; ExAC 0.00001; TOPMed 0.00001.

Submissions (3):

Ambry Genetics
Classification: Uncertain significance for Cardiovascular phenotype. Last evaluated: 2023-01-05. Review status: criteria provided, single submitter. Criteria: Ambry Variant Classification Scheme 2023. Collection method: clinical testing. Allele origin: germline.
Comment: The p.G1749E variant (also known as c.5246G>A), located in coding exon 37 of the LAMA4 gene, results from a G to A substitution at nucleotide position 5246. The glycine at codon 1749 is replaced by glutamic acid, an amino acid with similar properties. This amino acid position is conserved. In addition, this alteration is predicted to be deleterious by in silico analysis. Since supporting evidence is limited at this time, the clinical significance of this alteration remains unclear.

Labcorp Genetics (formerly Invitae), Labcorp
Classification: Uncertain significance for Dilated cardiomyopathy 1JJ. Last evaluated: 2022-03-23. Review status: criteria provided, single submitter. Criteria: Invitae Variant Classification Sherloc (09022015). Collection method: clinical testing. Allele origin: germline.
Comment: This variant is present in population databases (rs782244308, gnomAD 0.0009%). In summary, the available evidence is currently insufficient to determine the role of this variant in disease. Therefore, it has been classified as a Variant of Uncertain Significance. Algorithms developed to predict the effect of missense changes on protein structure and function are either unavailable or do not agree on the potential impact of this missense change (SIFT: "Deleterious"; PolyPhen-2: "Probably Damaging"; Align-GVGD: "Class C0"). ClinVar contains an entry for this variant (Variation ID: 517367). This variant has not been reported in the literature in individuals affected with LAMA4-related conditions. This sequence change replaces glycine, which is neutral and non-polar, with glutamic acid, which is acidic and polar, at codon 1749 of the LAMA4 protein (p.Gly1749Glu).

Laboratory for Molecular Medicine, Mass General Brigham Personalized Medicine
Classification: Uncertain significance. Last evaluated: 2017-05-18. Review status: criteria provided, single submitter. Criteria: LMM Criteria. Collection method: clinical testing. Allele origin: germline. Observed: 2 variant alleles.
Comment: The p.Gly1749Glu variant in LAMA4 has not been previously reported in individual s with cardiomyopathy, but has been identified in 1/111448 European chromosomes by the Genome Aggregation Database (gnomAD; d bSNP rs782244308). Computational prediction tools and conservation analysis do n ot provide strong support for or against an impact to the protein. In summary, t he clinical significance of the p.Gly1749Glu variant is uncertain.

NM_001105206.3(LAMA4):c.5267G>A (p.Gly1756Glu)

Gene: LAMA4 (laminin subunit alpha 4; minus strand). Cytogenetic location: 6q21.
Variant type: single nucleotide variant.
Coding change: c.5267G>A on transcript NM_001105206.3 (MANE Select); coding-DNA position 5267, G replaced by A.
Protein change: p.Gly1756Glu; replaces glycine 1756 with glutamic acid.
Molecular consequence: missense variant.
Genome position (GRCh38, 1-based): chr6:112,114,135, C>T on the plus strand (G>A on the coding strand, the complement: LAMA4 is on the minus strand). VCF-style: chr6-112114135-C-T. GRCh37 (hg19) VCF-style: chr6-112435338-C-T.
Other names: c.5246G>A, p.Gly1749Glu (NM_001105207.3, NM_002290.5); short protein forms G1749E, G1756E.
Identifiers: ClinVar variation 517367 (VCV000517367.9), dbSNP rs782244308, ClinGen allele CA3964758.